The following is an entry in ClinVar:

ClinVar aggregate classification (germline): Uncertain significance (1 of 4 stars; one submission).

Conditions:
Larsen-like syndrome, B3GAT3 type. Also called: MULTIPLE JOINT DISLOCATIONS, SHORT STATURE, AND CRANIOFACIAL DYSMORPHISM WITH OR WITHOUT CONGENITAL HEART DEFECTS; Multiple joint dislocations, short stature, craniofacial dysmorphism, with or without congenital heart defects. Identifiers: Orphanet 284139, MedGen CN034159, MONDO:0009511, OMIM 245600.

Submission:

Labcorp Genetics (formerly Invitae), Labcorp
Classification: Uncertain significance for Larsen-like syndrome, B3GAT3 type. Last evaluated: 2021-08-28. Review status: criteria provided, single submitter. Criteria: Invitae Variant Classification Sherloc (09022015). Collection method: clinical testing. Allele origin: germline.
Comment: This variant, c.657_665del, results in the deletion of 3 amino acid(s) of the B3GAT3 protein (p.Leu220_Gly222del), but otherwise preserves the integrity of the reading frame. This variant is not present in population databases (ExAC no frequency). This variant has not been reported in the literature in individuals affected with B3GAT3-related conditions. Experimental studies and prediction algorithms are not available or were not evaluated, and the functional significance of this variant is currently unknown. In summary, the available evidence is currently insufficient to determine the role of this variant in disease. Therefore, it has been classified as a Variant of Uncertain Significance.

NM_012200.4(B3GAT3):c.657_665del (p.Leu220_Gly222del)

Gene: B3GAT3 (beta-1,3-glucuronyltransferase 3; minus strand). Cytogenetic location: 11q12.3.
Variant type: Deletion.
Coding change: c.657_665del on transcript NM_012200.4 (MANE Select); coding-DNA positions 657 to 665, 9 bases deleted (GCTGGTGGG; older notation c.657_665delGCTGGTGGG).
Protein change: p.Leu220_Gly222del.
Molecular consequence: inframe deletion. On other transcripts: non-coding transcript variant (1).
Genome position (GRCh38, 1-based): chr11:62,616,750-62,616,758, CCCACCAGC deleted on the plus strand (GCTGGTGGG on the coding strand, the reverse complement: B3GAT3 is on the minus strand); deleting any 9 consecutive bases within chr11:62,616,750-62,616,763 gives the same sequence; the c. name uses the placement nearest the transcript's 3' end. VCF-style (leftmost placement, unchanged base first): chr11-62616749-GCCCACCAGC-G. GRCh37 (hg19) VCF-style: chr11-62384221-GCCCACCAGC-G.
Other names: c.636_644del, p.Leu213_Gly215del (NM_001288721.2); c.657_665del, p.Leu220_Gly222del (NM_001288722.2, NM_001288723.2).
Identifiers: ClinVar variation 1052117 (VCV001052117.6), dbSNP rs2134429110, ClinGen allele CA2499221111.
Genomic context (GRCh38, chr11:62,616,749, plus strand): 5'-TGCTGTGTGGAAGCCCACTACCCGGCCGTCCTGTACCTGAGGGCCCTCGAATCGCAGGCC[GCCCACCAGC>G]CCCACAGGCCACACTGAGACACCACGGGTCCAGCGCATCTAACGGAGGTCGGGAGAGAAG-3'